The following is an entry in ClinVar:

NM_016580.4(PCDH12):c.836T>C (p.Val279Ala)

Genes: PCDH12 (protocadherin 12; minus strand), RNF14 (ring finger protein 14; plus strand). Cytogenetic location: 5q31.3.
Variant type: single nucleotide variant.
Coding change: c.836T>C on transcript NM_016580.4 (MANE Select); coding-DNA position 836, T replaced by C.
Protein change: p.Val279Ala; replaces valine 279 with alanine.
Molecular consequence: missense variant.
Genome position (GRCh38, 1-based): chr5:141,957,016, A>G on the plus strand (T>C on the coding strand, the complement: PCDH12 is on the minus strand). VCF-style: chr5-141957016-A-G. GRCh37 (hg19) VCF-style: chr5-141336581-A-G.
Other names: short protein forms V279A.
Identifiers: ClinVar variation 720337 (VCV000720337.13), dbSNP rs142624712, ClinGen allele CA3484499.

ClinVar aggregate classification (germline): Likely benign. Review status: criteria provided, multiple submitters, no conflicts (2 of 4 stars). 3 submissions from 3 submitters: Likely benign (2). 1 of the submissions does not count toward it. Last evaluated 2025-12-08.

Conditions:
PCDH12-related disorder. Also called: PCDH12-related condition.

Allele frequency attached by ClinVar (database versions not stated): 1000 Genomes Project 0.00060; 1000 Genomes Project 30x 0.00062; ExAC 0.00063; gnomAD 0.00126 and 0.00133; TOPMed 0.00140; ESP Exome Variant Server 0.00215.
gnomAD v4.1: 955 of 1,613,948 alleles (0.059%); highest among the groups gnomAD compares: Middle Eastern, 0.41%; 3 homozygotes.

Submissions (3):

Labcorp Genetics (formerly Invitae), Labcorp
Classification: Likely benign. Last evaluated: 2025-12-08. Review status: criteria provided, single submitter. Criteria: Invitae Variant Classification Sherloc (09022015). Collection method: clinical testing. Allele origin: germline.

Blueprint Genetics
Classification: Likely benign. Last evaluated: 2024-11-07. Review status: criteria provided, single submitter. Criteria: ACMG Guidelines, 2015. Collection method: clinical testing. Allele origin: germline.

PreventionGenetics, part of Exact Sciences
Classification: Likely benign for PCDH12-related condition. Last evaluated: 2022-11-11. Review status: no assertion criteria provided. Collection method: clinical testing. Allele origin: germline. Not counted in ClinVar's aggregate classification.
Comment: This variant is classified as likely benign based on ACMG/AMP sequence variant interpretation guidelines (Richards et al. 2015 PMID: 25741868, with internal and published modifications).